The following is an entry in ClinVar:

NM_000062.3(SERPING1):c.620A>T (p.His207Leu)

Gene: SERPING1 (serpin family G member 1; plus strand). Cytogenetic location: 11q12.1.
Variant type: single nucleotide variant.
Coding change: c.620A>T on transcript NM_000062.3 (MANE Select); coding-DNA position 620, A replaced by T.
Protein change: p.His207Leu; replaces histidine 207 with leucine.
Molecular consequence: missense variant.
Genome position (GRCh38, 1-based): chr11:57,602,104, A>T. VCF-style: chr11-57602104-A-T. GRCh37 (hg19) VCF-style: chr11-57369577-A-T.
Other names: c.620A>T, p.His207Leu (NM_001032295.2); short protein forms H207L.
Identifiers: ClinVar variation 3664766 (VCV003664766.2).

ClinVar aggregate classification (germline): Uncertain significance (1 of 4 stars; one submission).

Submission:

Labcorp Genetics (formerly Invitae), Labcorp
Classification: Uncertain significance. Last evaluated: 2024-10-22. Review status: criteria provided, single submitter. Criteria: Invitae Variant Classification Sherloc (09022015). Collection method: clinical testing. Allele origin: germline.
Comment: This sequence change replaces histidine, which is basic and polar, with leucine, which is neutral and non-polar, at codon 207 of the SERPING1 protein (p.His207Leu). This variant is not present in population databases (gnomAD no frequency). This variant has not been reported in the literature in individuals affected with SERPING1-related conditions. Invitae Evidence Modeling of protein sequence and biophysical properties (such as structural, functional, and spatial information, amino acid conservation, physicochemical variation, residue mobility, and thermodynamic stability) indicates that this missense variant is not expected to disrupt SERPING1 protein function with a negative predictive value of 80%. In summary, the available evidence is currently insufficient to determine the role of this variant in disease. Therefore, it has been classified as a Variant of Uncertain Significance.